The following is an entry in ClinVar:

ClinVar aggregate classification (germline): Pathogenic. Review status: reviewed by expert panel (3 of 4 stars). 7 submissions from 7 submitters: Pathogenic (1). 6 of the submissions do not count toward it. Last evaluated 2016-09-08.

Conditions:
Hereditary cancer-predisposing syndrome. Also called: Neoplastic Syndromes, Hereditary; Tumor predisposition; Hereditary Cancer Syndrome; Hereditary neoplastic syndrome. Identifiers: Orphanet 140162, MedGen C0027672, MeSH D009386, MONDO:0015356.
Hereditary breast ovarian cancer syndrome. Also called: Hereditary breast and ovarian cancer syndrome; Hereditary breast and ovarian cancer; Hereditary breast and ovarian cancer syndrome (HBOC); Breast and ovarian cancer; Hereditary breast and/or ovarian cancer syndrome; BRCA1- and BRCA2-Associated Hereditary Breast and Ovarian Cancer. Identifiers: Orphanet 145, MedGen C0677776, MeSH D061325, MONDO:0003582. Disease mechanism: loss of function.
Breast-ovarian cancer, familial, susceptibility to, 2 (BROVCA2). Also called: BRCA2 Hereditary Breast and Ovarian Cancer. Identifiers: Orphanet 145, MedGen C2675520, MONDO:0012933, OMIM 612555. Disease mechanism: loss of function.
Breast and/or ovarian cancer. Identifiers: MedGen CN221562.

Submissions (7):

Evidence-based Network for the Interpretation of Germline Mutant Alleles (ENIGMA)
Classification: Pathogenic for Breast-ovarian cancer, familial, susceptibility to, 2. Last evaluated: 2016-09-08. Review status: reviewed by expert panel. Criteria: ENIGMA BRCA1/2 Classification Criteria (2015). Collection method: curation. Allele origin: germline.
Comment: Variant allele predicted to encode a truncated non-functional protein.

Labcorp Genetics (formerly Invitae), Labcorp
Classification: Pathogenic for Hereditary breast ovarian cancer syndrome. Last evaluated: 2024-01-16. Review status: criteria provided, single submitter. Criteria: Invitae Variant Classification Sherloc (09022015). Collection method: clinical testing. Allele origin: germline. Not counted in ClinVar's aggregate classification.
Comment: This sequence change creates a premature translational stop signal (p.Thr1359Metfs*15) in the BRCA2 gene. It is expected to result in an absent or disrupted protein product. Loss-of-function variants in BRCA2 are known to be pathogenic (PMID: 20104584). This variant is not present in population databases (gnomAD no frequency). This premature translational stop signal has been observed in individual(s) with breast cancer (PMID: 12920083). This variant is also known as 4304delC. ClinVar contains an entry for this variant (Variation ID: 51590). For these reasons, this variant has been classified as Pathogenic.

CHEO Genetics Diagnostic Laboratory, Children's Hospital of Eastern Ontario
Classification: Likely pathogenic for Breast and/or ovarian cancer. Last evaluated: 2021-07-03. Review status: criteria provided, single submitter. Criteria: ACMG Guidelines, 2015. Collection method: clinical testing. Allele origin: germline. Not counted in ClinVar's aggregate classification.

Consortium of Investigators of Modifiers of BRCA1/2 (CIMBA), c/o University of Cambridge
Classification: Pathogenic for Breast-ovarian cancer, familial, susceptibility to, 2. Last evaluated: 2015-10-02. Review status: criteria provided, single submitter. Criteria: CIMBA Mutation Classification guidelines May 2016. Collection method: clinical testing. Allele origin: germline. Not counted in ClinVar's aggregate classification.

Ambry Genetics
Classification: Pathogenic for Hereditary cancer-predisposing syndrome. Last evaluated: 2014-08-04. Review status: criteria provided, single submitter. Criteria: Ambry Variant Classification Scheme 2023. Collection method: clinical testing. Allele origin: germline. Not counted in ClinVar's aggregate classification.
Comment: The c.4076delC (also known as 4304delC) pathogenic mutation, located in coding exon 10 of the BRCA2 gene, results from a deletion of one nucleotide at nucleotide position 4076, causing a translational frameshift with a predicted alternate stop codon. This mutation has been identified in one individual affected with early onset invasive breast cancer whose personal and/or family history was suggestive of HBOC (Ozcelik H, J. Med. Genet. 2003 Aug; 40(8):e91). In addition to the clinical data presented in the literature, since frameshifts are typically deleterious in nature, this alteration is interpreted as a disease-causing mutation (ACMG Recommendations for Standards for Interpretation and Reporting of Sequence Variations. Revision 2007. Genet Med. 2008;10:294).

Research Molecular Genetics Laboratory, Women's College Hospital, University of Toronto
Classification: Pathogenic for Hereditary breast ovarian cancer syndrome. Last evaluated: 2014-01-31. Review status: no assertion criteria provided. Collection method: research. Allele origin: germline. Affected: yes. Study: The Canadian Open Genetics Repository (COGR). Not counted in ClinVar's aggregate classification.

Breast Cancer Information Core (BIC) (BRCA2)
Classification: Pathogenic for Breast-ovarian cancer, familial 2. Last evaluated: 2002-05-29. Review status: no assertion criteria provided. Collection method: clinical testing. Allele origin: germline. Affected: yes. Observed: 3 variant alleles. Not counted in ClinVar's aggregate classification.

Literature cited by the submitters: PubMed 20104584 (cited by Labcorp Genetics (formerly Invitae), Labcorp); PubMed 12920083 (cited by Labcorp Genetics (formerly Invitae), Labcorp and Ambry Genetics).

NM_000059.4(BRCA2):c.4076del (p.Thr1359fs)

Gene: BRCA2 (BRCA2 DNA repair associated; plus strand). Cytogenetic location: 13q13.1.
Variant type: Deletion.
Coding change: c.4076del on transcript NM_000059.4 (MANE Select); coding-DNA position 4076, one base deleted (C; older notation c.4076delC).
Protein change: p.Thr1359fs; shifts the reading frame from threonine 1359.
Molecular consequence: frameshift variant.
Genome position (GRCh38, 1-based): chr13:32,338,431, C deleted. VCF-style (leftmost placement, unchanged base first): chr13-32338430-AC-A. GRCh37 (hg19) VCF-style: chr13-32912567-AC-A.
Other names: 4304delC; c.4076delC (NM_000059.3).
Identifiers: ClinVar variation 51590 (VCV000051590.12), dbSNP rs80359424, ClinGen allele CA019472.